The following is an entry in ClinVar:

NM_004560.4(ROR2):c.1254C>T (p.Ile418=)

Gene: ROR2 (ROR family WNT receptor 2; minus strand). Cytogenetic location: 9q22.31.
Variant type: single nucleotide variant.
Coding change: c.1254C>T on transcript NM_004560.4 (MANE Select); coding-DNA position 1254, C replaced by T.
Protein change: p.Ile418=; no amino-acid change (isoleucine 418 retained).
Molecular consequence: synonymous variant. On other transcripts: missense variant (1).
Genome position (GRCh38, 1-based): chr9:91,726,673, G>A on the plus strand (C>T on the coding strand, the complement: ROR2 is on the minus strand). VCF-style: chr9-91726673-G-A. GRCh37 (hg19) VCF-style: chr9-94488955-G-A.
Other names: c.1220C>T, p.Ser407Leu (NM_001318204.2); short protein forms S407L.
Identifiers: ClinVar variation 4885120 (VCV004885120.2).
Genomic context (GRCh38, chr9:91,726,673, plus strand): 5'-TGTGGACGCAGATGCCTTCTGCTTATTCCGGCACATGCAAACCAAGAAGAAAAGGCAAGC[G>A]ATGACCAGTGGAATTGCGATGCTGGGGACCAAGATGTACAGAATCCCCATCTTGCTGCTG-3'
Protein context (NP_004551.2, residues 408-428): LVPSIAIPLV[Ile418=]ACLFFLVCMC

ClinVar aggregate classification (germline): Uncertain significance (1 of 4 stars; one submission).

gnomAD v4.1: 16 of 1,613,818 alleles (0.00099%); highest among the groups gnomAD compares: African/African-American, 0.015%; no homozygotes.

Submission:

Dasa
Classification: Uncertain significance. Last evaluated: 2025-07-07. Review status: criteria provided, single submitter. Criteria: DASA Assertion Criteria. Collection method: clinical testing. Allele origin: germline.
Comment: NM_001318204.2(ROR2):c.1220C>T (p.Ser407Leu) is a missense variant that results in the substitution of serine with leucine. This variant is rare in population databases. The currently available literature and clinical evidence are not sufficient to establish a definitive association between this variant and the reported condition. Therefore, this variant is classified as a variant of uncertain significance.